The following is an entry in ClinVar:

ClinVar aggregate classification (germline): Likely benign. Review status: reviewed by expert panel (3 of 4 stars). 8 submissions from 8 submitters: Likely benign (1). 7 of the submissions do not count toward it. Last evaluated 2024-07-09.

Conditions:
Hereditary von Willebrand disease. Identifiers: Orphanet 903, MedGen C5703318, MONDO:0019565. Inheritance: Autosomal recessive or Autosomal dominant.

Allele frequency attached by ClinVar (database versions not stated): ESP Exome Variant Server 0.00023; gnomAD 0.00155 and 0.00162; 1000 Genomes Project 0.00300; TOPMed 0.00307; 1000 Genomes Project 30x 0.00328; ExAC 0.00477; gnomAD exomes 0.00546.

Submissions (8):

ClinGen von Willebrand Disease Variant Curation Expert Panel, ClinGen
Classification: Likely benign for Hereditary von Willebrand disease. Last evaluated: 2024-07-09. Review status: reviewed by expert panel. Criteria: ClinGen VWD 2A B M Rules. Collection method: curation. Allele origin: germline.
Comment: NM_000552.5:c.1728G>T is a missense variant in VWF that replaces methionine with isoleucine at position 576. The The Grpmax filtering allele frequency in gnomAD v4.1 is 0.02820 (based on 1745/59454 alleles in the Admixed American population, with 41 homozygotes), which is higher than the ClinGen VWD VCEP threshold of >0.01 (BS1). This variant has been reported in the heterozygous state in at least 6 patients with a diagnosed blood disorder, with several exhibiting mild or moderate reduction of VWF:Ag (PMID: 17190853, PMID: 25780857, PMID: 33556167). However, diagnoses are not consistent and the variant is ineligible for consideration for PS4 due to its high frequency in the control population. The computational predictor REVEL gives a score of 0.038, which is below the ClinGen VWD VCEP threshold of <0.290 and does not predict a damaging effect on VWF function (BP4). Additionally, the computational splicing predictor SpliceAI indicated that the variant has no impact on splicing. In summary, this variant meets the criteria to be classified as a variant of unknown significance for hereditary von Willebrand disease based on the ACMG/AMP criteria applied, as specified by the ClinGen VWD VCEP: BS1, BP4.

CeGaT Center for Human Genetics Tuebingen
Classification: Benign. Last evaluated: 2026-08-01. Review status: criteria provided, single submitter. Criteria: CeGaT Center For Human Genetics Tuebingen Variant Classification Criteria Version 2. Collection method: clinical testing. Allele origin: germline. Affected: yes. Observed: 2 variant alleles. Not counted in ClinVar's aggregate classification.
Comment: VWF: BP4, BS1, BS2

Quest Diagnostics Nichols Institute San Juan Capistrano
Classification: Likely benign. Last evaluated: 2025-10-30. Review status: criteria provided, single submitter. Criteria: Quest Diagnostics criteria. Collection method: clinical testing. Allele origin: unknown. Not counted in ClinVar's aggregate classification.

ARUP Laboratories, Molecular Genetics and Genomics, ARUP Laboratories
Classification: Likely benign. Last evaluated: 2025-04-16. Review status: criteria provided, single submitter. Criteria: ARUP Molecular Germline Variant Investigation Process 2024. Collection method: clinical testing. Allele origin: germline. Not counted in ClinVar's aggregate classification.

Mayo Clinic Laboratories, Mayo Clinic
Classification: Likely benign. Last evaluated: 2024-11-13. Review status: criteria provided, single submitter. Criteria: ACMG Guidelines, 2015. Collection method: clinical testing. Allele origin: germline. Observed: 12 variant alleles. Not counted in ClinVar's aggregate classification.
Comment: BS1_supporting, BS2, BP4, PM1

Genetic Services Laboratory, University of Chicago
Classification: Benign. Last evaluated: 2021-02-05. Review status: criteria provided, single submitter. Criteria: ACMG Guidelines, 2015. Collection method: clinical testing. Allele origin: germline. Affected: no. Not counted in ClinVar's aggregate classification.

GeneDx
Classification: Likely benign. Last evaluated: 2019-10-07. Review status: criteria provided, single submitter. Criteria: GeneDx Variant Classification Process June 2021. Collection method: clinical testing. Allele origin: germline. Affected: yes. Not counted in ClinVar's aggregate classification.
Comment: See Variant Classification Assertion Criteria.

Academic Unit of Haematology, University of Sheffield
No classification provided. Review status: no classification provided. Collection method: not provided. Allele origin: not provided. Not counted in ClinVar's aggregate classification.

Literature cited by the submitters: PubMed 33618961 (cited by Quest Diagnostics Nichols Institute San Juan Capistrano and Mayo Clinic Laboratories, Mayo Clinic); PubMed 33556167 (cited by Quest Diagnostics Nichols Institute San Juan Capistrano and Mayo Clinic Laboratories, Mayo Clinic); PubMed 25780857 (cited by Quest Diagnostics Nichols Institute San Juan Capistrano and Mayo Clinic Laboratories, Mayo Clinic); PubMed 17190853 (cited by Quest Diagnostics Nichols Institute San Juan Capistrano and Mayo Clinic Laboratories, Mayo Clinic); PubMed 23216583 (cited by Quest Diagnostics Nichols Institute San Juan Capistrano and Mayo Clinic Laboratories, Mayo Clinic); PubMed 37647632 (cited by Quest Diagnostics Nichols Institute San Juan Capistrano and Mayo Clinic Laboratories, Mayo Clinic); PubMed 38532595 (cited by Quest Diagnostics Nichols Institute San Juan Capistrano); PubMed 37845247 (cited by Quest Diagnostics Nichols Institute San Juan Capistrano); PubMed 31968368 (cited by Quest Diagnostics Nichols Institute San Juan Capistrano); PubMed 23690449 (cited by Quest Diagnostics Nichols Institute San Juan Capistrano); PubMed 19506353 (cited by Quest Diagnostics Nichols Institute San Juan Capistrano).

NM_000552.5(VWF):c.1728G>T (p.Met576Ile)

Gene: VWF (von Willebrand factor; minus strand). Cytogenetic location: 12p13.31.
Variant type: single nucleotide variant.
Coding change: c.1728G>T on transcript NM_000552.5 (MANE Select); coding-DNA position 1728, G replaced by T.
Protein change: p.Met576Ile; replaces methionine 576 with isoleucine.
Molecular consequence: missense variant.
Genome position (GRCh38, 1-based): chr12:6,057,850, C>A on the plus strand (G>T on the coding strand, the complement: VWF is on the minus strand). VCF-style: chr12-6057850-C-A. GRCh37 (hg19) VCF-style: chr12-6167016-C-A.
Other names: NM_000552.5(VWF):c.1728G>T; short protein forms M576I.
Identifiers: ClinVar variation 100188 (VCV000100188.41), dbSNP rs150146744, ClinGen allele CA228284.